The following is an entry in ClinVar:

NM_020699.4(GATAD2B):c.487C>T (p.Gln163Ter)

Gene: GATAD2B (GATA zinc finger domain containing 2B; minus strand). Cytogenetic location: 1q21.3.
Variant type: single nucleotide variant.
Coding change: c.487C>T on transcript NM_020699.4 (MANE Select); coding-DNA position 487, C replaced by T.
Protein change: p.Gln163Ter; replaces glutamine 163 with a stop codon.
Molecular consequence: nonsense.
Genome position (GRCh38, 1-based): chr1:153,818,901, G>A on the plus strand (C>T on the coding strand, the complement: GATAD2B is on the minus strand). VCF-style: chr1-153818901-G-A. GRCh37 (hg19) VCF-style: chr1-153791377-G-A.
Other names: short protein forms Q163*.
Identifiers: ClinVar variation 1358786 (VCV001358786.6), dbSNP rs2101882373, ClinGen allele CA342533225.
Genomic context (GRCh38, chr1:153,818,901, plus strand): 5'-ACAGGACCAGTCGGGCTTCTTCCAATCGTAGCTCATCCCTCAGCTGCTTGATAAGCTGCT[G>A]CCGCTCCTCAATGCCTTTCCCCTAAGGAAACAAGAAGACTTTCAGCTATGGCAGCAAGGT-3'

ClinVar aggregate classification (germline): Pathogenic (1 of 4 stars; one submission).

Submission:

Labcorp Genetics (formerly Invitae), Labcorp
Classification: Pathogenic. Last evaluated: 2022-07-12. Review status: criteria provided, single submitter. Criteria: Invitae Variant Classification Sherloc (09022015). Collection method: clinical testing. Allele origin: germline.
Comment: This sequence change creates a premature translational stop signal (p.Gln163*) in the GATAD2B gene. It is expected to result in an absent or disrupted protein product. Loss-of-function variants in GATAD2B are known to be pathogenic (PMID: 23033978, 25356899, 27159321). This variant is not present in population databases (gnomAD no frequency). For these reasons, this variant has been classified as Pathogenic. ClinVar contains an entry for this variant (Variation ID: 1358786). This variant has not been reported in the literature in individuals affected with GATAD2B-related conditions.

Literature cited by the submitters: PubMed 23033978; PubMed 25356899; PubMed 27159321.